The following is an entry in ClinVar:

NM_020297.4(ABCC9):c.3565A>G (p.Arg1189Gly)

Gene: ABCC9 (ATP binding cassette subfamily C member 9; minus strand). Cytogenetic location: 12p12.1.
Variant type: single nucleotide variant.
Coding change: c.3565A>G on transcript NM_020297.4 (MANE Select); coding-DNA position 3565, A replaced by G.
Protein change: p.Arg1189Gly; replaces arginine 1189 with glycine.
Molecular consequence: missense variant.
Genome position (GRCh38, 1-based): chr12:21,838,079, T>C on the plus strand (A>G on the coding strand, the complement: ABCC9 is on the minus strand). VCF-style: chr12-21838079-T-C. GRCh37 (hg19) VCF-style: chr12-21991013-T-C.
Other names: c.3565A>G, p.Arg1189Gly (NM_001377273.1, NM_005691.4); c.2698A>G, p.Arg900Gly (NM_001377274.1); short protein forms R1189G, R900G.
Identifiers: ClinVar variation 1968472 (VCV001968472.5), dbSNP rs2541025107, ClinGen allele CA384140521.
Genomic context (GRCh38, chr12:21,838,079, plus strand): 5'-AAAATATTTGTTGATGATGTTATTGCCTAGTCAGCTAATATAAAAATGTGTTTACTCACC[T>C]AAAGGCCCGAATGGTGGTGAGTCCTTCTGCTGTTTCTGAGAAGTGACAGAGCAGAGGGAG-3'
Protein context (NP_064693.2, residues 1179-1199): AEGLTTIRAF[Arg1189Gly]HETRFKQRML

ClinVar aggregate classification (germline): Uncertain significance (1 of 4 stars; one submission).

Conditions:
Dilated cardiomyopathy 1O (CMD1O). Also called: CARDIOMYOPATHY, DILATED, WITH VENTRICULAR TACHYCARDIA. Identifiers: Orphanet 154, MedGen C1837839, MONDO:0012062, OMIM 608569.

Submission:

Labcorp Genetics (formerly Invitae), Labcorp
Classification: Uncertain significance for Dilated cardiomyopathy 1O. Last evaluated: 2022-06-29. Review status: criteria provided, single submitter. Criteria: Invitae Variant Classification Sherloc (09022015). Collection method: clinical testing. Allele origin: germline.
Comment: In summary, the available evidence is currently insufficient to determine the role of this variant in disease. Therefore, it has been classified as a Variant of Uncertain Significance. Algorithms developed to predict the effect of missense changes on protein structure and function (SIFT, PolyPhen-2, Align-GVGD) all suggest that this variant is likely to be tolerated. This variant has not been reported in the literature in individuals affected with ABCC9-related conditions. This variant is not present in population databases (gnomAD no frequency). This sequence change replaces arginine, which is basic and polar, with glycine, which is neutral and non-polar, at codon 1189 of the ABCC9 protein (p.Arg1189Gly).